The following is an entry in ClinVar:

NM_005159.5(ACTC1):c.699C>T (p.Ala233=)

Genes: ACTC1 (actin alpha cardiac muscle 1; minus strand), GJD2-DT (GJD2 divergent transcript; plus strand). Cytogenetic location: 15q14.
Variant type: single nucleotide variant.
Coding change: c.699C>T on transcript NM_005159.5 (MANE Select); coding-DNA position 699, C replaced by T.
Protein change: p.Ala233=; no amino-acid change (alanine 233 retained).
Molecular consequence: synonymous variant.
Genome position (GRCh38, 1-based): chr15:34,792,199, G>A on the plus strand (C>T on the coding strand, the complement: ACTC1 is on the minus strand). VCF-style: chr15-34792199-G-A. GRCh37 (hg19) VCF-style: chr15-35084400-G-A.
Other names: c.699C>T (NM_005159.4).
Identifiers: ClinVar variation 1569142 (VCV001569142.10), dbSNP rs1595760786, ClinGen allele CA489419924.

ClinVar aggregate classification (germline): Likely benign. Review status: criteria provided, multiple submitters, no conflicts (2 of 4 stars). 3 submissions from 3 submitters: Likely benign (3). Last evaluated 2024-10-22.

Conditions:
Cardiovascular phenotype. Identifiers: MedGen CN230736.
Hypertrophic cardiomyopathy 11. Also called: ACTC1-Related Familial Hypertrophic Cardiomyopathy. Identifiers: MedGen C2677506, MONDO:0012799, OMIM 612098.
Atrial septal defect 5 (ASD5). Identifiers: Orphanet 1478, MedGen C2748552, MONDO:0013011, OMIM 612794.
Dilated cardiomyopathy 1R (CMD1R). Identifiers: Orphanet 154, Orphanet 54260, MedGen C3150681, MONDO:0013261, OMIM 613424.
Hypertrophic cardiomyopathy. Also called: HYPERTROPHIC MYOCARDIOPATHY. Identifiers: Orphanet 217569, MedGen C0007194, MeSH D002312, MONDO:0005045, HP:0001639.

Submissions (3):

Ambry Genetics
Classification: Likely benign for Cardiovascular phenotype. Last evaluated: 2024-10-22. Review status: criteria provided, single submitter. Criteria: Ambry Variant Classification Scheme 2023. Collection method: clinical testing. Allele origin: germline.

All of Us Research Program, National Institutes of Health
Classification: Likely benign for Hypertrophic cardiomyopathy. Last evaluated: 2024-09-13. Review status: criteria provided, single submitter. Criteria: ACMG Guidelines, 2015. Collection method: clinical testing. Allele origin: germline. Inheritance: Autosomal dominant inheritance. Observed: 1 variant allele, 1 heterozygote.
Comment: This study involves interpretation of variants in research participants for the purpose of population health screening. Participant phenotype was not available at the time of variant classification. Additional details can be found in publication PMID: 35346344, PMCID: PMC8962531

Labcorp Genetics (formerly Invitae), Labcorp
Classification: Likely benign for Dilated cardiomyopathy 1R; Hypertrophic cardiomyopathy 11; Atrial septal defect 5. Last evaluated: 2021-08-30. Review status: criteria provided, single submitter. Criteria: Invitae Variant Classification Sherloc (09022015). Collection method: clinical testing. Allele origin: germline.